The following is an entry in ClinVar:

NM_005592.4(MUSK):c.2507G>A (p.Arg836His)

Gene: MUSK (muscle associated receptor tyrosine kinase; plus strand). Cytogenetic location: 9q31.3.
Variant type: single nucleotide variant.
Coding change: c.2507G>A on transcript NM_005592.4 (MANE Select); coding-DNA position 2507, G replaced by A.
Protein change: p.Arg836His; replaces arginine 836 with histidine.
Molecular consequence: missense variant.
Genome position (GRCh38, 1-based): chr9:110,800,885, G>A. VCF-style: chr9-110800885-G-A. GRCh37 (hg19) VCF-style: chr9-113563165-G-A.
Other names: c.2249G>A, p.Arg750His (NM_001166280.2); c.2219G>A, p.Arg740His (NM_001166281.2); c.1247G>A, p.Arg416His (NM_001369398.1); short protein forms R750H, R416H, R740H, R836H.
Identifiers: ClinVar variation 1028916 (VCV001028916.7), dbSNP rs371689428, ClinGen allele CA5184643.

ClinVar aggregate classification (germline): Uncertain significance. Review status: criteria provided, multiple submitters, no conflicts (2 of 4 stars). 3 submissions from 3 submitters: Uncertain significance (3). Last evaluated 2025-08-30.

Conditions:
Inborn genetic diseases. Identifiers: MedGen C0950123, MeSH D030342.
Fetal akinesia deformation sequence 1 (FADS1). Also called: Pena-Shokeir syndrome type I; Fetal akinesia sequence. Identifiers: Orphanet 994, MedGen C1276035, MONDO:0100101, OMIM 208150, HP:0001989.
Congenital myasthenic syndrome 9. Also called: Myasthenic syndrome, congenital, 9, associated with acetylcholine receptor deficiency. Identifiers: Orphanet 590, MedGen C4225368, MONDO:0014587, OMIM 616325.

Allele frequency attached by ClinVar (database versions not stated): gnomAD 0.00001 and 0.00003; gnomAD exomes 0.00001 and 0.00002; ExAC 0.00004; TOPMed 0.00005; ESP Exome Variant Server 0.00008; 1000 Genomes Project 30x 0.00031; 1000 Genomes Project 0.00040.
gnomAD v4.1: 15 of 1,570,398 alleles (0.00096%); highest among the groups gnomAD compares: African/African-American, 0.0041%; no homozygotes.

Submissions (3):

Ambry Genetics
Classification: Uncertain significance for Inborn genetic diseases. Last evaluated: 2025-08-30. Review status: criteria provided, single submitter. Criteria: Ambry Variant Classification Scheme 2023. Collection method: clinical testing. Allele origin: germline.

Labcorp Genetics (formerly Invitae), Labcorp
Classification: Uncertain significance for Congenital myasthenic syndrome 9; Fetal akinesia deformation sequence 1. Last evaluated: 2021-08-13. Review status: criteria provided, single submitter. Criteria: Invitae Variant Classification Sherloc (09022015). Collection method: clinical testing. Allele origin: germline.
Comment: This sequence change replaces arginine with histidine at codon 836 of the MUSK protein (p.Arg836His). The arginine residue is highly conserved and there is a small physicochemical difference between arginine and histidine. This variant is present in population databases (rs371689428, ExAC 0.03%). This variant has not been reported in the literature in individuals affected with MUSK-related conditions. ClinVar contains an entry for this variant (Variation ID: 1028916). Algorithms developed to predict the effect of missense changes on protein structure and function are either unavailable or do not agree on the potential impact of this missense change (SIFT: "Deleterious"; PolyPhen-2: "Probably Damaging"; Align-GVGD: "Class C0"). In summary, the available evidence is currently insufficient to determine the role of this variant in disease. Therefore, it has been classified as a Variant of Uncertain Significance.

Baylor Genetics
Classification: Uncertain significance for Fetal akinesia deformation sequence 1. Last evaluated: 2020-06-09. Review status: criteria provided, single submitter. Criteria: ACMG Guidelines, 2015. Collection method: clinical testing. Allele origin: unknown. Affected: yes.
Comment: This variant was determined to be of uncertain significance according to ACMG Guidelines, 2015 [PMID:25741868].